The following is an entry in ClinVar:

ClinVar aggregate classification (germline): Conflicting classifications of pathogenicity. Review status: criteria provided, conflicting classifications (1 of 4 stars). 2 submissions from 2 submitters: Pathogenic (1); Uncertain significance (1). Last evaluated 2024-09-10.

Submissions (2):

GeneDx
Classification: Uncertain significance. Last evaluated: 2024-09-10. Review status: criteria provided, single submitter. Criteria: GeneDx Variant Classification Process June 2021. Collection method: clinical testing. Allele origin: germline. Affected: yes.
Comment: Not observed at significant frequency in large population cohorts (gnomAD); In silico analysis supports that this missense variant has a deleterious effect on protein structure/function; This variant is associated with the following publications: (PMID: 37217489)

Labcorp Genetics (formerly Invitae), Labcorp
Classification: Pathogenic. Last evaluated: 2023-03-23. Review status: criteria provided, single submitter. Criteria: Invitae Variant Classification Sherloc (09022015). Collection method: clinical testing. Allele origin: germline.
Comment: This sequence change replaces tryptophan, which is neutral and slightly polar, with arginine, which is basic and polar, at codon 153 of the USH2A protein (p.Trp153Arg). This variant is not present in population databases (gnomAD no frequency). This missense change has been observed in individual(s) with clinical features of Usher syndrome (Invitae). ClinVar contains an entry for this variant (Variation ID: 2135006). Advanced modeling of protein sequence and biophysical properties (such as structural, functional, and spatial information, amino acid conservation, physicochemical variation, residue mobility, and thermodynamic stability) performed at Invitae indicates that this missense variant is expected to disrupt USH2A protein function. This variant disrupts the p.Trp153 amino acid residue in USH2A. Other variant(s) that disrupt this residue have been observed in individuals with USH2A-related conditions (PMID: 32675063), which suggests that this may be a clinically significant amino acid residue. For these reasons, this variant has been classified as Pathogenic.

Literature cited by the submitters: PubMed 32675063 (cited by Labcorp Genetics (formerly Invitae), Labcorp).

NM_206933.4(USH2A):c.457T>C (p.Trp153Arg)

Gene: USH2A (usherin; minus strand). Cytogenetic location: 1q41.
Variant type: single nucleotide variant.
Coding change: c.457T>C on transcript NM_206933.4 (MANE Select); coding-DNA position 457, T replaced by C.
Protein change: p.Trp153Arg; replaces tryptophan 153 with arginine.
Molecular consequence: missense variant.
Genome position (GRCh38, 1-based): chr1:216,421,880, A>G on the plus strand (T>C on the coding strand, the complement: USH2A is on the minus strand). VCF-style: chr1-216421880-A-G. GRCh37 (hg19) VCF-style: chr1-216595222-A-G.
Other names: c.457T>C, p.Trp153Arg (NM_007123.6); c.457T>C (NM_206933.2); short protein forms W153R.
Identifiers: ClinVar variation 2135006 (VCV002135006.5), dbSNP rs2527653482, ClinGen allele CA344903745.